The following is an entry in ClinVar:

ClinVar aggregate classification (germline): Uncertain significance (1 of 4 stars; one submission).

Conditions:
Infantile-onset ascending hereditary spastic paralysis (IAHSP). Also called: Autosomal Recessive Juvenile Amyotrophic Lateral Sclerosis; Infantile-Onset Ascending Hereditary Spastic Paralysis (IAHSP). Identifiers: Orphanet 293168, MedGen C2931441, MONDO:0011797, OMIM 607225. Disease mechanism: loss of function.

Allele frequency attached by ClinVar (database versions not stated): gnomAD exomes 0.00003; TOPMed 0.00005; ExAC 0.00007; gnomAD 0.00007; 1000 Genomes Project 30x 0.00031; 1000 Genomes Project 0.00040.
gnomAD v4.1: 57 of 1,614,034 alleles (0.0035%); highest among the groups gnomAD compares: East Asian, 0.067%; no homozygotes.

Submission:

Labcorp Genetics (formerly Invitae), Labcorp
Classification: Uncertain significance for Infantile-onset ascending hereditary spastic paralysis. Last evaluated: 2023-11-11. Review status: criteria provided, single submitter. Criteria: Invitae Variant Classification Sherloc (09022015). Collection method: clinical testing. Allele origin: germline.
Comment: This sequence change replaces alanine, which is neutral and non-polar, with valine, which is neutral and non-polar, at codon 519 of the ALS2 protein (p.Ala519Val). This variant is present in population databases (rs41308818, gnomAD 0.04%). This variant has not been reported in the literature in individuals affected with ALS2-related conditions. Advanced modeling of protein sequence and biophysical properties (such as structural, functional, and spatial information, amino acid conservation, physicochemical variation, residue mobility, and thermodynamic stability) performed at Invitae indicates that this missense variant is not expected to disrupt ALS2 protein function with a negative predictive value of 80%. In summary, the available evidence is currently insufficient to determine the role of this variant in disease. Therefore, it has been classified as a Variant of Uncertain Significance.

NM_020919.4(ALS2):c.1556C>T (p.Ala519Val)

Gene: ALS2 (alsin Rho guanine nucleotide exchange factor ALS2; minus strand). Cytogenetic location: 2q33.1.
Variant type: single nucleotide variant.
Coding change: c.1556C>T on transcript NM_020919.4 (MANE Select); coding-DNA position 1556, C replaced by T.
Protein change: p.Ala519Val; replaces alanine 519 with valine.
Molecular consequence: missense variant.
Genome position (GRCh38, 1-based): chr2:201,754,587, G>A on the plus strand (C>T on the coding strand, the complement: ALS2 is on the minus strand). VCF-style: chr2-201754587-G-A. GRCh37 (hg19) VCF-style: chr2-202619310-G-A.
Other names: c.1556C>T, p.Ala519Val (NM_001410975.1); short protein forms A519V.
Identifiers: ClinVar variation 2973077 (VCV002973077.1), dbSNP rs41308818, ClinGen allele CA2058429.